The following is an entry in ClinVar:

NM_000153.4(GALC):c.1434G>A (p.Pro478=)

Gene: GALC (galactosylceramidase; minus strand). Cytogenetic location: 14q31.3.
Variant type: single nucleotide variant.
Coding change: c.1434G>A on transcript NM_000153.4 (MANE Select); coding-DNA position 1434, G replaced by A.
Protein change: p.Pro478=; no amino-acid change (proline 478 retained).
Molecular consequence: synonymous variant.
Genome position (GRCh38, 1-based): chr14:87,947,783, C>T on the plus strand (G>A on the coding strand, the complement: GALC is on the minus strand). VCF-style: chr14-87947783-C-T. GRCh37 (hg19) VCF-style: chr14-88414127-C-T.
Other names: p.Pro478=; c.1365G>A, p.Pro455= (NM_001201401.2); c.1356G>A, p.Pro452= (NM_001201402.2).
Identifiers: ClinVar variation 705130 (VCV000705130.39), dbSNP rs200231860, ClinGen allele CA7297015.
Genomic context (GRCh38, chr14:87,947,783, plus strand): 5'-CTCACCAACATTGAAATCATCCTTATAGGTACTTGGGAAGGGCTGGGATTTTGGAGGAAG[C>T]GGGTAGCTGCCTTTGCGACCAGTGGTGAGAGTGGTGAGTGTGAACAGCTCATCTTCATGC-3'
Protein context (NP_000144.2, residues 468-488): TLTTGRKGSY[Pro478=]LPPKSQPFPS

ClinVar aggregate classification (germline): Likely benign. Review status: criteria provided, multiple submitters, no conflicts (2 of 4 stars). 6 submissions from 6 submitters: Likely benign (5). 1 of the submissions does not count toward it. Last evaluated 2026-03-01.

Conditions:
Galactosylceramide beta-galactosidase deficiency. Also called: Krabbe Disease; Leukodystrophy, Globoid Cell; GALACTOCEREBROSIDASE DEFICIENCY; GALC DEFICIENCY; GLOBOID CELL LEUKOENCEPHALOPATHY. Identifiers: Orphanet 487, MedGen C0023521, MONDO:0009499, OMIM 245200.

Allele frequency attached by ClinVar (database versions not stated): gnomAD exomes 0.00020 and 0.00025; TOPMed 0.00022; ExAC 0.00023; ESP Exome Variant Server 0.00024; gnomAD 0.00042; 1000 Genomes Project 30x 0.00047; 1000 Genomes Project 0.00060.
gnomAD v4.1: 424 of 1,612,822 alleles (0.026%); highest among the groups gnomAD compares: Non-Finnish European, 0.032%; 2 homozygotes.

Submissions (6):

CeGaT Center for Human Genetics Tuebingen
Classification: Likely benign. Last evaluated: 2026-03-01. Review status: criteria provided, single submitter. Criteria: CeGaT Center For Human Genetics Tuebingen Variant Classification Criteria Version 2. Collection method: clinical testing. Allele origin: germline. Affected: yes. Observed: 7 variant alleles.
Comment: GALC: BP4, BP7

Labcorp Genetics (formerly Invitae), Labcorp
Classification: Likely benign for Galactosylceramide beta-galactosidase deficiency. Last evaluated: 2026-01-11. Review status: criteria provided, single submitter. Criteria: Invitae Variant Classification Sherloc (09022015). Collection method: clinical testing. Allele origin: germline.

Mayo Clinic Laboratories, Mayo Clinic
Classification: Likely benign. Last evaluated: 2025-07-04. Review status: criteria provided, single submitter. Criteria: ACMG Guidelines, 2015. Collection method: clinical testing. Allele origin: germline. Observed: 2 variant alleles.
Comment: BP4, BP7

Blueprint Genetics
Classification: Likely benign. Last evaluated: 2024-11-19. Review status: criteria provided, single submitter. Criteria: ACMG Guidelines, 2015. Collection method: clinical testing. Allele origin: germline.

ARUP Laboratories, Molecular Genetics and Genomics, ARUP Laboratories
Classification: Likely benign for Galactosylceramide beta-galactosidase deficiency. Last evaluated: 2024-02-12. Review status: criteria provided, single submitter. Criteria: ARUP Molecular Germline Variant Investigation Process 2024. Collection method: clinical testing. Allele origin: germline.

Natera, Inc.
Classification: Likely benign for Galactosylceramide beta-galactosidase deficiency. Last evaluated: 2020-09-16. Review status: no assertion criteria provided. Collection method: clinical testing. Allele origin: germline. Not counted in ClinVar's aggregate classification.